The following is an entry in ClinVar:

ClinVar aggregate classification (germline): Uncertain significance. Review status: criteria provided, multiple submitters, no conflicts (2 of 4 stars). 5 submissions from 5 submitters: Uncertain significance (5). Last evaluated 2025-11-22.

Conditions:
Birt-Hogg-Dube syndrome 1 (BHD1). Also called: FIBROFOLLICULOMAS WITH TRICHODISCOMAS AND ACROCHORDONS. Identifiers: Orphanet 122, MedGen CN375946, MONDO:0800445, OMIM 135150.
Hereditary cancer-predisposing syndrome. Also called: Hereditary Cancer Syndrome; Neoplastic Syndromes, Hereditary; Hereditary neoplastic syndrome; Tumor predisposition. Identifiers: Orphanet 140162, MedGen C0027672, MeSH D009386, MONDO:0015356.
Birt-Hogg-Dube syndrome. Also called: Birt Hogg Dubé syndrome. Identifiers: Orphanet 122, MedGen C0346010, MONDO:0800444.

Submissions (5):

Labcorp Genetics (formerly Invitae), Labcorp
Classification: Uncertain significance for Birt-Hogg-Dube syndrome. Last evaluated: 2025-11-22. Review status: criteria provided, single submitter. Criteria: Invitae Variant Classification Sherloc (09022015). Collection method: clinical testing. Allele origin: germline.
Comment: This variant, c.427_429del, results in the deletion of 1 amino acid(s) of the FLCN protein (p.Phe143del), but otherwise preserves the integrity of the reading frame. This variant is present in population databases (rs764153620, gnomAD 0.001%). This variant has been observed in individual(s) with Birt–Hogg–Dubé syndrome (PMID: 22446046). It has also been observed to segregate with disease in related individuals. Algorithms developed to predict the effect of variants on gene product structure and function are not available or were not evaluated for this variant. Experimental studies have shown that this variant affects FLCN function (PMID: 22446046). In summary, the available evidence is currently insufficient to determine the role of this variant in disease. Therefore, it has been classified as a Variant of Uncertain Significance.

Ambry Genetics
Classification: Uncertain significance for Hereditary cancer-predisposing syndrome. Last evaluated: 2025-09-11. Review status: criteria provided, single submitter. Criteria: Ambry Variant Classification Scheme 2023. Collection method: clinical testing. Allele origin: germline.
Comment: The c.427_429delTTC variant (also known as p.F143del) is located in coding exon 3 of the FLCN gene. This variant results from an in-frame TTC deletion at nucleotide positions 427 to 429. This results in the in-frame deletion of a phenylalanine at codon 143. This variant has been reported in three siblings with primary spontaneous pneumothoraces and a family history of renal cancer; however, absence of this alteration in unaffected relatives was not confirmed (Kim J et al. Gene, 2012 May;499:339-42). This amino acid position is highly conserved in available vertebrate species. In addition, this alteration is predicted to be deleterious by in silico analysis (Choi Y et al. PLoS ONE. 2012; 7(10):e46688). Based on the available evidence, the clinical significance of this variant remains unclear.

Center for Genomic Medicine, Rigshospitalet, Copenhagen University Hospital
Classification: Uncertain significance. Last evaluated: 2025-03-04. Review status: criteria provided, single submitter. Criteria: ACMG Guidelines, 2015. Collection method: clinical testing. Allele origin: germline.

Baylor Genetics
Classification: Uncertain significance for Birt-Hogg-Dube syndrome 1. Last evaluated: 2023-12-01. Review status: criteria provided, single submitter. Criteria: ACMG Guidelines, 2015. Collection method: clinical testing. Allele origin: unknown.

Mendelics
Classification: Uncertain significance for Birt-Hogg-Dube syndrome 1. Last evaluated: 2019-05-28. Review status: criteria provided, single submitter. Criteria: Mendelics Assertion Criteria 2017. Collection method: clinical testing. Allele origin: unknown.

Literature cited by the submitters: PubMed 22446046 (cited by 3 submitters).

NM_144997.7(FLCN):c.424TTC[1] (p.Phe143del)

Gene: FLCN (folliculin; minus strand). Cytogenetic location: 17p11.2.
Variant type: Microsatellite.
Coding change: c.424TTC[1] on transcript NM_144997.7 (MANE Select); one copy of the 3-base unit TTC starting at c.424; the reference has two copies in a row; one copy, 3 bases deleted; also written c.427_429del.
Protein change: p.Phe143del; deletes phenylalanine 143.
Molecular consequence: inframe deletion.
Genome position (GRCh38, 1-based): chr17:17,224,111-17,224,113, GAA deleted on the plus strand (TTC on the coding strand, the reverse complement: FLCN is on the minus strand); deleting any 3 consecutive bases within chr17:17,224,111-17,224,118 gives the same sequence; the position shown is the placement nearest the transcript's 3' end. VCF-style (leftmost placement, unchanged base first): chr17-17224110-CGAA-C. GRCh37 (hg19) VCF-style: chr17-17127424-CGAA-C.
Other names: c.478TTC[1], p.Phe161del (NM_001353229.2); c.424TTC[1], p.Phe143del (NM_001353230.2, NM_001353231.2, NM_144606.7); c.427_429delTTC (NM_144997.7); c.427_429del (NM_144997.7); short protein forms F161del, F143del.
Identifiers: ClinVar variation 803328 (VCV000803328.17), dbSNP rs764153620, ClinGen allele CA8416399.